The following is an entry in ClinVar:

ClinVar aggregate classification (germline): Uncertain significance. Review status: criteria provided, multiple submitters, no conflicts (2 of 4 stars). 2 submissions from 2 submitters: Uncertain significance (2). Last evaluated 2026-04-15.

Conditions:
PLEC-related disorder. Also called: PLEC-related disorders; PLEC-related condition.
Epidermolysis bullosa simplex, Ogna type (EBS5A). Also called: Pidermolysis bullosa simplex 5A, Ogna type; EPIDERMOLYSIS BULLOSA SIMPLEX 5A, OGNA TYPE. Identifiers: Orphanet 79401, MedGen C0432317, MONDO:0007555, OMIM 131950.
Epidermolysis bullosa simplex 5B, with muscular dystrophy (EBS5B). Also called: Epidermolysis bullosa simplex with muscular dystrophy; EPIDERMOLYSIS BULLOSA SIMPLEX AND LIMB-GIRDLE MUSCULAR DYSTROPHY. Identifiers: Orphanet 257, MedGen C2931072, MONDO:0009181, OMIM 226670.
Epidermolysis bullosa simplex with nail dystrophy (EBS5D). Identifiers: MedGen C4225309, MONDO:0014661, OMIM 616487.
Autosomal recessive limb-girdle muscular dystrophy type 2Q (LGMDR17). Also called: MUSCULAR DYSTROPHY, LIMB-GIRDLE, AUTOSOMAL RECESSIVE 17. Identifiers: Orphanet 254361, MedGen C3150989, MONDO:0013390, OMIM 613723.
Epidermolysis bullosa simplex 5C, with pyloric atresia (EBS5C). Also called: PLEC-Related Epidermolysis Bullosa with Pyloric Atresia; Epidermolysis bullosa simplex with pyloric atresia; PLEC1-Related Epidermolysis Bullosa with Pyloric Atresia. Identifiers: Orphanet 158684, MedGen C2677349, MONDO:0012807, OMIM 612138.

Allele frequency attached by ClinVar (database versions not stated): TOPMed below 0.00001; gnomAD exomes 0.00001 and 0.00003.
gnomAD v4.1: 42 of 1,594,948 alleles (0.0026%); highest among the groups gnomAD compares: South Asian, 0.0044%; no homozygotes.

Submissions (2):

PreventionGenetics, part of Exact Sciences
Classification: Uncertain significance for PLEC-related condition. Last evaluated: 2026-04-15. Review status: criteria provided, single submitter. Criteria: ACMG Guidelines, 2015. Collection method: clinical testing. Allele origin: germline.
Comment: The PLEC c.5711G>A variant is predicted to result in the amino acid substitution p.Arg1904Gln. To our knowledge, this variant has not been reported in the literature. This variant is reported in 0.0067% of alleles in individuals of South Asian descent in gnomAD. At this time, the clinical significance of this variant is uncertain due to the absence of conclusive functional and genetic evidence.

Labcorp Genetics (formerly Invitae), Labcorp
Classification: Uncertain significance for Autosomal recessive limb-girdle muscular dystrophy type 2Q; Epidermolysis bullosa simplex, Ogna type; Epidermolysis bullosa simplex with nail dystrophy; Epidermolysis bullosa simplex 5C, with pyloric atresia; Epidermolysis bullosa simplex 5B, with muscular dystrophy. Last evaluated: 2025-07-21. Review status: criteria provided, single submitter. Criteria: Invitae Variant Classification Sherloc (09022015). Collection method: clinical testing. Allele origin: germline.
Comment: This sequence change replaces arginine, which is basic and polar, with glutamine, which is neutral and polar, at codon 1904 of the PLEC protein (p.Arg1904Gln). This variant is present in population databases (no rsID available, gnomAD 0.007%). This variant has not been reported in the literature in individuals affected with PLEC-related conditions. ClinVar contains an entry for this variant (Variation ID: 538921). Experimental studies and prediction algorithms are not available or were not evaluated, and the functional significance of this variant is currently unknown. In summary, the available evidence is currently insufficient to determine the role of this variant in disease. Therefore, it has been classified as a Variant of Uncertain Significance.

NM_201384.3(PLEC):c.5630G>A (p.Arg1877Gln)

Gene: PLEC (plectin; minus strand). Cytogenetic location: 8q24.3.
Variant type: single nucleotide variant.
Coding change: c.5630G>A on transcript NM_201384.3 (MANE Select); coding-DNA position 5630, G replaced by A.
Protein change: p.Arg1877Gln; replaces arginine 1877 with glutamine.
Molecular consequence: missense variant.
Genome position (GRCh38, 1-based): chr8:143,924,299, C>T on the plus strand (G>A on the coding strand, the complement: PLEC is on the minus strand). VCF-style: chr8-143924299-C-T. GRCh37 (hg19) VCF-style: chr8-144998467-C-T.
Other names: c.5711G>A, p.Arg1904Gln (NM_000445.5); c.5588G>A, p.Arg1863Gln (NM_201378.4); c.5564G>A, p.Arg1855Gln (NM_201379.3); c.6041G>A, p.Arg2014Gln (NM_201380.4); c.5534G>A, p.Arg1845Gln (NM_201381.3); c.5630G>A, p.Arg1877Gln (NM_201382.4); c.5642G>A, p.Arg1881Gln (NM_201383.3); short protein forms R1845Q, R1877Q, R1881Q, R1855Q, R1863Q, R2014Q, R1904Q.
Identifiers: ClinVar variation 538921 (VCV000538921.7), dbSNP rs932283077, ClinGen allele CA187615534.